The following is an entry in ClinVar:

NM_001253697.2(ERBIN):c.910C>G (p.Leu304Val)

Gene: ERBIN (erbb2 interacting protein; plus strand). Cytogenetic location: 5q12.3.
Variant type: single nucleotide variant.
Coding change: c.910C>G on transcript NM_001253697.2 (MANE Select); coding-DNA position 910, C replaced by G.
Protein change: p.Leu304Val; replaces leucine 304 with valine.
Molecular consequence: missense variant.
Genome position (GRCh38, 1-based): chr5:66,025,867, C>G. VCF-style: chr5-66025867-C-G. GRCh37 (hg19) VCF-style: chr5-65321695-C-G.
Other names: c.910C>G, p.Leu304Val (NM_001006600.3, NM_001253698.2, NM_001253699.2 and 2 more transcripts); c.910C>G (NM_001006600.2); short protein forms L304V.
Identifiers: ClinVar variation 1083820 (VCV001083820.11), dbSNP rs148121803, ClinGen allele CA3286099.

ClinVar aggregate classification (germline): Likely benign. Review status: criteria provided, single submitter (1 of 4 stars). 2 submissions from 2 submitters: Likely benign (1). 1 of the submissions does not count toward it. Last evaluated 2025-12-11.

Conditions:
ERBIN-related disorder. Also called: ERBIN-related condition.

Allele frequency attached by ClinVar (database versions not stated): ESP Exome Variant Server 0.00062; gnomAD 0.00087 and 0.00089; 1000 Genomes Project 30x 0.00094; TOPMed 0.00097; 1000 Genomes Project 0.00120.

Submissions (2):

Labcorp Genetics (formerly Invitae), Labcorp
Classification: Likely benign. Last evaluated: 2025-12-11. Review status: criteria provided, single submitter. Criteria: Invitae Variant Classification Sherloc (09022015). Collection method: clinical testing. Allele origin: germline.

PreventionGenetics, part of Exact Sciences
Classification: Likely benign for ERBIN-related condition. Last evaluated: 2023-11-16. Review status: no assertion criteria provided. Collection method: clinical testing. Allele origin: germline. Not counted in ClinVar's aggregate classification.
Comment: This variant is classified as likely benign based on ACMG/AMP sequence variant interpretation guidelines (Richards et al. 2015 PMID: 25741868, with internal and published modifications).